The following is an entry in ClinVar:

NM_020771.4(HACE1):c.2242C>T (p.Arg748Ter)

Gene: HACE1 (HECT domain and ankyrin repeat containing E3 ubiquitin protein ligase 1; minus strand). Cytogenetic location: 6q16.3.
Variant type: single nucleotide variant.
Coding change: c.2242C>T on transcript NM_020771.4 (MANE Select); coding-DNA position 2242, C replaced by T.
Protein change: p.Arg748Ter; replaces arginine 748 with a stop codon.
Molecular consequence: nonsense. On other transcripts: non-coding transcript variant (7).
Genome position (GRCh38, 1-based): chr6:104,750,442, G>A on the plus strand (C>T on the coding strand, the complement: HACE1 is on the minus strand). VCF-style: chr6-104750442-G-A. GRCh37 (hg19) VCF-style: chr6-105198317-G-A.
Other names: c.2110C>T, p.Arg704Ter (NM_001321080.2); c.2140C>T, p.Arg714Ter (NM_001321083.2); c.1738C>T, p.Arg580Ter (NM_001321084.2, NM_001350557.2, NM_001350558.2); c.2008C>T, p.Arg670Ter (NM_001350554.2); c.1951C>T, p.Arg651Ter (NM_001350555.2); c.1756C>T, p.Arg586Ter (NM_001350556.2); c.1660C>T, p.Arg554Ter (NM_001350559.2); c.1459C>T, p.Arg487Ter (NM_001350560.2); short protein forms R748*, R586*, R651*, R714*, R487*, R554*, R580*, R670*.
Identifiers: ClinVar variation 221290 (VCV000221290.11), dbSNP rs869025281, ClinGen allele CA351553.

ClinVar aggregate classification (germline): Pathogenic. Review status: criteria provided, multiple submitters, no conflicts (2 of 4 stars). 4 submissions from 4 submitters: Pathogenic (3). 1 of the submissions does not count toward it. Last evaluated 2026-08-04.

Conditions:
Spastic paraplegia-severe developmental delay-epilepsy syndrome. Also called: Spastic paraplegia and psychomotor retardation with or without seizures. Identifiers: Orphanet 464282, MedGen C4225215, MONDO:0014764, OMIM 616756.

Allele frequency attached by ClinVar (database versions not stated): TOPMed 0.00002; gnomAD exomes below 0.00001.
gnomAD v4.1: 4 of 1,613,460 alleles (0.00025%); highest among the groups gnomAD compares: Admixed American, 0.0017%; no homozygotes.

Submissions (4):

GeneDx
Classification: Pathogenic. Last evaluated: 2026-08-04. Review status: criteria provided, single submitter. Criteria: GeneDx Variant Classification Process June 2021. Collection method: clinical testing. Allele origin: germline.
Comment: Nonsense variant predicted to result in protein truncation or nonsense mediated decay in a gene for which loss of function is a known mechanism of disease; Not observed at significant frequency in large population cohorts (gnomAD); This variant is associated with the following publications: (PMID: 36553453, 38899231, 26424145, 36980980)

Labcorp Genetics (formerly Invitae), Labcorp
Classification: Pathogenic. Last evaluated: 2023-01-03. Review status: criteria provided, single submitter. Criteria: Invitae Variant Classification Sherloc (09022015). Collection method: clinical testing. Allele origin: germline.
Comment: This variant is present in population databases (no rsID available, gnomAD 0.003%). This sequence change creates a premature translational stop signal (p.Arg748*) in the HACE1 gene. It is expected to result in an absent or disrupted protein product. Loss-of-function variants in HACE1 are known to be pathogenic (PMID: 26424145, 26437029). This premature translational stop signal has been observed in individual(s) with HACE1-related disease (PMID: 26424145). It has also been observed to segregate with disease in related individuals. ClinVar contains an entry for this variant (Variation ID: 221290). For these reasons, this variant has been classified as Pathogenic.

Genetics Laboratory, UDIAT-Centre Diagnòstic, Hospital Universitari Parc Tauli
Classification: Pathogenic for Spastic paraplegia-severe developmental delay-epilepsy syndrome. Last evaluated: 2022-10-04. Review status: criteria provided, single submitter. Criteria: Parc Tauli Hospital Assertion Criteria 2021. Collection method: clinical testing. Allele origin: maternal. Inheritance: Autosomal recessive inheritance. Affected: yes.
Comment: PVS1;PM2_supporting;PM3

OMIM
Classification: Pathogenic for SPASTIC PARAPLEGIA AND PSYCHOMOTOR RETARDATION WITH OR WITHOUT SEIZURES. Last evaluated: 2016-02-04. Review status: no assertion criteria provided. Collection method: literature only. Allele origin: germline. Not counted in ClinVar's aggregate classification.

Literature cited by the submitters: PubMed 26424145 (cited by Labcorp Genetics (formerly Invitae), Labcorp and OMIM); PubMed 26437029 (cited by Labcorp Genetics (formerly Invitae), Labcorp).